The following is an entry in ClinVar:

NM_001286.5(CLCN6):c.1020G>A (p.Met340Ile)

Gene: CLCN6 (chloride voltage-gated channel 6; plus strand). Cytogenetic location: 1p36.22.
Variant type: single nucleotide variant.
Coding change: c.1020G>A on transcript NM_001286.5 (MANE Select); coding-DNA position 1020, G replaced by A.
Protein change: p.Met340Ile; replaces methionine 340 with isoleucine.
Molecular consequence: missense variant. On other transcripts: non-coding transcript variant (1).
Genome position (GRCh38, 1-based): chr1:11,828,523, G>A. VCF-style: chr1-11828523-G-A. GRCh37 (hg19) VCF-style: chr1-11888580-G-A.
Other names: c.954G>A, p.Met318Ile (NM_001256959.2); short protein forms M340I, M318I.
Identifiers: ClinVar variation 1978304 (VCV001978304.4), dbSNP rs765978912, ClinGen allele CA596315.

ClinVar aggregate classification (germline): Uncertain significance (1 of 4 stars; one submission).

Allele frequency attached by ClinVar (database versions not stated): gnomAD exomes 0.00001; ExAC 0.00002.
gnomAD v4.1: 5 of 1,614,136 alleles (0.00031%); highest among the groups gnomAD compares: Admixed American, 0.0017%; no homozygotes.

Submission:

Labcorp Genetics (formerly Invitae), Labcorp
Classification: Uncertain significance. Last evaluated: 2023-10-13. Review status: criteria provided, single submitter. Criteria: Invitae Variant Classification Sherloc (09022015). Collection method: clinical testing. Allele origin: germline.
Comment: This sequence change replaces methionine, which is neutral and non-polar, with isoleucine, which is neutral and non-polar, at codon 340 of the CLCN6 protein (p.Met340Ile). This variant is present in population databases (rs765978912, gnomAD 0.004%). This variant has not been reported in the literature in individuals affected with CLCN6-related conditions. ClinVar contains an entry for this variant (Variation ID: 1978304). An algorithm developed to predict the effect of missense changes on protein structure and function (PolyPhen-2) suggests that this variant is likely to be tolerated. Algorithms developed to predict the effect of sequence changes on RNA splicing suggest that this variant may create or strengthen a splice site. In summary, the available evidence is currently insufficient to determine the role of this variant in disease. Therefore, it has been classified as a Variant of Uncertain Significance.